The following is an entry in ClinVar:

NM_019616.4(F7):c.1104C>T (p.Ala368=)

Gene: F7 (coagulation factor VII; plus strand). Cytogenetic location: 13q34.
Variant type: single nucleotide variant.
Coding change: c.1104C>T on transcript NM_019616.4 (MANE Select); coding-DNA position 1104, C replaced by T.
Protein change: p.Ala368=; no amino-acid change (alanine 368 retained).
Molecular consequence: synonymous variant. On other transcripts: non-coding transcript variant (1).
Genome position (GRCh38, 1-based): chr13:113,118,777, C>T. VCF-style: chr13-113118777-C-T. GRCh37 (hg19) VCF-style: chr13-113773091-C-T.
Other names: c.1170C>T, p.Ala390= (NM_000131.5); c.918C>T, p.Ala306= (NM_001267554.2).
Identifiers: ClinVar variation 716178 (VCV000716178.22), dbSNP rs6044, ClinGen allele CA7060235.

ClinVar aggregate classification (germline): Benign/Likely benign. Review status: criteria provided, multiple submitters, no conflicts (2 of 4 stars). 4 submissions from 4 submitters: Benign (1); Likely benign (3). Last evaluated 2025-12-17.

Conditions:
Factor VII deficiency. Also called: Factor 7 deficiency; F7 DEFICIENCY; HYPOPROCONVERTINEMIA. Identifiers: MedGen C0015503, MeSH D005168, MONDO:0002244.

Allele frequency attached by ClinVar (database versions not stated): gnomAD exomes 0.00026 and 0.00055; ExAC 0.00070; 1000 Genomes Project 0.00200; 1000 Genomes Project 30x 0.00203; gnomAD 0.00212 and 0.00216; TOPMed 0.00231; ESP Exome Variant Server 0.00238.
gnomAD v4.1: 731 of 1,613,136 alleles (0.045%); highest among the groups gnomAD compares: African/African-American, 0.75%; 4 homozygotes.

Submissions (4):

Labcorp Genetics (formerly Invitae), Labcorp
Classification: Benign. Last evaluated: 2025-12-17. Review status: criteria provided, single submitter. Criteria: Invitae Variant Classification Sherloc (09022015). Collection method: clinical testing. Allele origin: germline.

Blueprint Genetics
Classification: Likely benign. Last evaluated: 2024-09-13. Review status: criteria provided, single submitter. Criteria: ACMG Guidelines, 2015. Collection method: clinical testing. Allele origin: germline.

Illumina Laboratory Services, Illumina
Classification: Likely benign for Congenital factor VII deficiency. Last evaluated: 2017-04-27. Review status: criteria provided, single submitter. Criteria: ICSL Variant Classification Criteria 13 December 2019. Collection method: clinical testing. Allele origin: germline.
Comment: This variant was observed as part of a predisposition screen in an ostensibly healthy population. A literature search was performed for the gene, cDNA change, and amino acid change (where applicable). No publications were found based on this search. Allele frequency data from public databases allowed determination this variant is unlikely to cause disease. Therefore, this variant is classified as likely benign.

Breakthrough Genomics
Classification: Likely benign. Review status: criteria provided, single submitter. Criteria: ACMG Guidelines, 2015. Collection method: not provided. Allele origin: germline. Inheritance: Autosomal recessive inheritance. Affected: yes.